The following is an entry in ClinVar:

ClinVar aggregate classification (germline): Conflicting classifications of pathogenicity. Review status: criteria provided, conflicting classifications (1 of 4 stars). 8 submissions from 8 submitters: Likely pathogenic (1); Uncertain significance (7). Last evaluated 2025-06-23.

Conditions:
Cardiovascular phenotype. Identifiers: MedGen CN230736.
Catecholaminergic polymorphic ventricular tachycardia (CVPT). Also called: Catecholamine-induced polymorphic ventricular tachycardia. Identifiers: Orphanet 3286, MedGen C5574922, MONDO:0017990.
Catecholaminergic polymorphic ventricular tachycardia 1. Also called: VENTRICULAR TACHYCARDIA, CATECHOLAMINERGIC POLYMORPHIC, 1, WITH OR WITHOUT ATRIAL DYSFUNCTION AND/OR DILATED CARDIOMYOPATHY; RYR2-Related Catecholaminergic Polymorphic Ventricular Tachycardia; VENTRICULAR TACHYCARDIA, STRESS-INDUCED POLYMORPHIC 1. Identifiers: Orphanet 3286, MedGen C1631597, MONDO:0011484, OMIM 604772.
Cardiomyopathy (CMYO). Also called: Cardiomyopathies. Identifiers: Orphanet 167848, MedGen C0878544, MONDO:0004994, HP:0001638. Inheritance: Various modes of inheritance.

Allele frequency attached by ClinVar (database versions not stated): gnomAD 0.00001; gnomAD exomes 0.00001; TOPMed 0.00001.
gnomAD v4.1: 9 of 1,613,322 alleles (0.00056%); highest among the groups gnomAD compares: Non-Finnish European, 0.00076%; no homozygotes.

Submissions (8):

Institute of Human Genetics Munich, TUM University Hospital
Classification: Likely pathogenic for Catecholaminergic polymorphic ventricular tachycardia 1. Last evaluated: 2025-06-23. Review status: criteria provided, single submitter. Criteria: Classification criteria August 2017. Collection method: clinical testing. Allele origin: germline. Inheritance: Autosomal dominant inheritance. Affected: yes. Observed: 1 variant allele.

Molecular Diagnostic Laboratory for Inherited Cardiovascular Disease, Montreal Heart Institute
Classification: Uncertain significance for Cardiovascular phenotype. Last evaluated: 2025-04-09. Review status: criteria provided, single submitter. Criteria: ACMG Guidelines, 2015. Collection method: clinical testing. Allele origin: germline. Affected: yes.
Comment: PP2, PP3

Ambry Genetics
Classification: Uncertain significance for Cardiovascular phenotype. Last evaluated: 2024-12-30. Review status: criteria provided, single submitter. Criteria: Ambry Variant Classification Scheme 2023. Collection method: clinical testing. Allele origin: germline.
Comment: The p.D868G variant (also known as c.2603A>G), located in coding exon 22 of the RYR2 gene, results from an A to G substitution at nucleotide position 2603. The aspartic acid at codon 868 is replaced by glycine, an amino acid with similar properties. This amino acid position is highly conserved in available vertebrate species. In addition, this alteration is predicted to be deleterious by in silico analysis. Since supporting evidence is limited at this time, the clinical significance of this alteration remains unclear.

Blueprint Genetics
Classification: Uncertain significance. Last evaluated: 2024-09-05. Review status: criteria provided, single submitter. Criteria: ACMG Guidelines, 2015. Collection method: clinical testing. Allele origin: germline.

Labcorp Genetics (formerly Invitae), Labcorp
Classification: Uncertain significance for Catecholaminergic polymorphic ventricular tachycardia 1. Last evaluated: 2024-06-02. Review status: criteria provided, single submitter. Criteria: Invitae Variant Classification Sherloc (09022015). Collection method: clinical testing. Allele origin: germline.
Comment: This sequence change replaces aspartic acid, which is acidic and polar, with glycine, which is neutral and non-polar, at codon 868 of the RYR2 protein (p.Asp868Gly). This variant is present in population databases (no rsID available, gnomAD 0.0009%). This variant has not been reported in the literature in individuals affected with RYR2-related conditions. ClinVar contains an entry for this variant (Variation ID: 1171979). Advanced modeling of protein sequence and biophysical properties (such as structural, functional, and spatial information, amino acid conservation, physicochemical variation, residue mobility, and thermodynamic stability) performed at Invitae indicates that this missense variant is expected to disrupt RYR2 protein function with a positive predictive value of 95%. Algorithms developed to predict the effect of sequence changes on RNA splicing suggest that this variant may disrupt the consensus splice site. In summary, the available evidence is currently insufficient to determine the role of this variant in disease. Therefore, it has been classified as a Variant of Uncertain Significance.

All of Us Research Program, National Institutes of Health
Classification: Uncertain significance for Catecholaminergic polymorphic ventricular tachycardia. Last evaluated: 2023-06-28. Review status: criteria provided, single submitter. Criteria: ACMG Guidelines, 2015. Collection method: clinical testing. Allele origin: germline. Inheritance: Autosomal dominant inheritance. Observed: 1 variant allele, 1 heterozygote.
Comment: This missense variant replaces aspartic acid with glycine at codon 868 of the RYR2 protein. Computational prediction suggests that this variant may have deleterious impact on protein structure and function (internally defined REVEL score threshold >= 0.7, PMID: 27666373). To our knowledge, functional studies have not been reported for this variant. This variant has not been reported in individuals affected with cardiovascular disorders in the literature. This variant has not been identified in the general population by the Genome Aggregation Database (gnomAD). The available evidence is insufficient to determine the role of this variant in disease conclusively. Therefore, this variant is classified as a Variant of Uncertain Significance.

This study involves interpretation of variants in research participants for the purpose of population health screening. Participant phenotype was not available at the time of variant classification. Additional details can be found in publication PMID: 35346344, PMCID: PMC8962531

Color Diagnostics, LLC DBA Color Health
Classification: Uncertain significance for Cardiomyopathy. Last evaluated: 2023-01-03. Review status: criteria provided, single submitter. Criteria: ACMG Guidelines, 2015. Collection method: clinical testing. Allele origin: germline.
Comment: This missense variant replaces aspartic acid with glycine at codon 868 of the RYR2 protein. Computational prediction suggests that this variant may have deleterious impact on protein structure and function (internally defined REVEL score threshold >= 0.7, PMID: 27666373). To our knowledge, functional studies have not been reported for this variant. This variant has not been reported in individuals affected with cardiovascular disorders in the literature. This variant has not been identified in the general population by the Genome Aggregation Database (gnomAD). The available evidence is insufficient to determine the role of this variant in disease conclusively. Therefore, this variant is classified as a Variant of Uncertain Significance.

AiLife Diagnostics
Classification: Uncertain significance. Last evaluated: 2021-12-16. Review status: criteria provided, single submitter. Criteria: ACMG Guidelines, 2015. Collection method: clinical testing. Allele origin: germline. Affected: yes. Observed: 1 variant allele.

NM_001035.3(RYR2):c.2603A>G (p.Asp868Gly)

Gene: RYR2 (ryanodine receptor 2; plus strand). Cytogenetic location: 1q43.
Variant type: single nucleotide variant.
Coding change: c.2603A>G on transcript NM_001035.3 (MANE Select); coding-DNA position 2603, A replaced by G.
Protein change: p.Asp868Gly; replaces aspartic acid 868 with glycine.
Molecular consequence: missense variant.
Genome position (GRCh38, 1-based): chr1:237,503,495, A>G. VCF-style: chr1-237503495-A-G. GRCh37 (hg19) VCF-style: chr1-237666795-A-G.
Other names: c.2603A>G (NM_001035.2); short protein forms D868G.
Identifiers: ClinVar variation 1171979 (VCV001171979.17), dbSNP rs1272250863, ClinGen allele CA345379661.
Genomic context (GRCh38, chr1:237,503,495, plus strand): 5'-GCGACCTGCTGGGCCCCACAGTTTCCCTGACGCAAGCTGCCTTCACACCCATCCCTGTGG[A>G]TACCAGCCAGGTACCAAGATCCACTCGAATGGCAATCACTGGTATTGCAGTCATGCTGAT-3'
Protein context (NP_001026.2, residues 858-878): TQAAFTPIPV[Asp868Gly]TSQIVLPPHL